The following is an entry in ClinVar:

ClinVar aggregate classification (germline): Uncertain significance (1 of 4 stars; one submission).

Conditions:
MYPN-related disorder. Also called: MYPN-related condition.

gnomAD v4.1: 2 of 1,614,042 alleles (0.00012%); highest among the groups gnomAD compares: Non-Finnish European, 0.00017%; no homozygotes.

Submission:

PreventionGenetics, part of Exact Sciences
Classification: Uncertain significance for MYPN-related condition. Last evaluated: 2026-01-16. Review status: criteria provided, single submitter. Criteria: ACMG Guidelines, 2015. Collection method: clinical testing. Allele origin: germline.
Comment: The MYPN c.3217C>A variant is predicted to result in the amino acid substitution p.Pro1073Thr. To our knowledge, this variant has not been reported in the literature. This variant is reported in 0.00088% of alleles in individuals of European (Non-Finnish) descent in gnomAD. At this time, the clinical significance of this variant is uncertain due to the absence of conclusive functional and genetic evidence.

NM_032578.4(MYPN):c.3217C>A (p.Pro1073Thr)

Gene: MYPN (myopalladin; plus strand). Cytogenetic location: 10q21.3.
Variant type: single nucleotide variant.
Coding change: c.3217C>A on transcript NM_032578.4 (MANE Select); coding-DNA position 3217, C replaced by A.
Protein change: p.Pro1073Thr; replaces proline 1073 with threonine.
Molecular consequence: missense variant. On other transcripts: non-coding transcript variant (2).
Genome position (GRCh38, 1-based): chr10:68,197,410, C>A. VCF-style: chr10-68197410-C-A. GRCh37 (hg19) VCF-style: chr10-69957167-C-A.
Other names: c.3217C>A, p.Pro1073Thr (NM_001256267.2); c.2335C>A, p.Pro779Thr (NM_001256268.2); short protein forms P1073T, P779T.
Identifiers: ClinVar variation 4983169 (VCV004983169.1).